The following is an entry in ClinVar:

NM_004004.6(GJB2):c.53C>G (p.Thr18Ser)

Gene: GJB2 (gap junction protein beta 2; minus strand). Cytogenetic location: 13q12.11.
Variant type: single nucleotide variant.
Coding change: c.53C>G on transcript NM_004004.6 (MANE Select); coding-DNA position 53, C replaced by G.
Protein change: p.Thr18Ser; replaces threonine 18 with serine.
Molecular consequence: missense variant.
Genome position (GRCh38, 1-based): chr13:20,189,529, G>C on the plus strand (C>G on the coding strand, the complement: GJB2 is on the minus strand). VCF-style: chr13-20189529-G-C. GRCh37 (hg19) VCF-style: chr13-20763668-G-C.
Other names: short protein forms T18S.
Identifiers: ClinVar variation 585740 (VCV000585740.2), dbSNP rs1566529035, ClinGen allele CA387462150.

ClinVar aggregate classification (germline): Uncertain significance. Review status: criteria provided, multiple submitters, no conflicts (2 of 4 stars). 2 submissions from 2 submitters: Uncertain significance (2). Last evaluated 2025-12-29.

Conditions:
Nonsyndromic genetic hearing loss. Also called: Non-syndromic genetic deafness; Nonsyndromic genetic deafness; Nonsyndromic hearing loss and deafness. Identifiers: Orphanet 87884, MedGen C5680182, MONDO:0019497.

Submissions (2):

Myriad Genetics, Inc.
Classification: Uncertain significance for Nonsyndromic genetic hearing loss. Last evaluated: 2025-12-29. Review status: criteria provided, single submitter. Criteria: Myriad Autosomal Dominant, Autosomal Recessive and X-Linked Classification Criteria (2023). Collection method: clinical testing. Allele origin: unknown.
Comment: NM_004004.5(GJB2):c.53C>G(T18S) is a missense variant classified as a variant of uncertain significance in the context of nonsyndromic hearing loss, GJB2-related. T18S has been observed in a case with relevant disease (PMID: 25587757). Relevant functional assessments of this variant are not available in the literature. T18S has not been observed in referenced population frequency databases. In summary, there is insufficient evidence to classify NM_004004.5(GJB2):c.53C>G(T18S) as pathogenic or benign. Please note: this variant was assessed in the context of healthy population screening.

Athena Diagnostics
Classification: Uncertain significance. Last evaluated: 2018-06-04. Review status: criteria provided, single submitter. Criteria: Athena Diagnostics Criteria. Collection method: clinical testing. Allele origin: germline.

Literature cited by the submitters: PubMed 25587757 (cited by Myriad Genetics, Inc. and Athena Diagnostics).